The following is an entry in ClinVar:

NM_021098.3(CACNA1H):c.5476A>G (p.Lys1826Glu)

Gene: CACNA1H (calcium voltage-gated channel subunit alpha1 H; plus strand). Cytogenetic location: 16p13.3.
Variant type: single nucleotide variant.
Coding change: c.5476A>G on transcript NM_021098.3 (MANE Select); coding-DNA position 5476, A replaced by G.
Protein change: p.Lys1826Glu; replaces lysine 1826 with glutamic acid.
Molecular consequence: missense variant.
Genome position (GRCh38, 1-based): chr16:1,218,240, A>G. VCF-style: chr16-1218240-A-G. GRCh37 (hg19) VCF-style: chr16-1268240-A-G.
Other names: c.5458A>G, p.Lys1820Glu (NM_001005407.2); short protein forms K1820E, K1826E.
Identifiers: ClinVar variation 2928867 (VCV002928867.3), dbSNP rs1249585354, ClinGen allele CA394147260.

ClinVar aggregate classification (germline): Uncertain significance (1 of 4 stars; one submission).

Conditions:
Idiopathic generalized epilepsy. Also called: Generalised epilepsy; EIG. Identifiers: MedGen C0270850, MONDO:0005579, OMIM 600669.
Hyperaldosteronism, familial, type IV (HALD4). Also called: FH IV; ALDOSTERONISM, PRIMARY, AND HYPERTENSION. Identifiers: Orphanet 642671, MedGen C4310756, MONDO:0014875, OMIM 617027.

Allele frequency attached by ClinVar (database versions not stated): gnomAD exomes below 0.00001.

Submission:

Labcorp Genetics (formerly Invitae), Labcorp
Classification: Uncertain significance for Idiopathic generalized epilepsy; Hyperaldosteronism, familial, type IV. Last evaluated: 2023-08-16. Review status: criteria provided, single submitter. Criteria: Invitae Variant Classification Sherloc (09022015). Collection method: clinical testing. Allele origin: germline.
Comment: This sequence change replaces lysine, which is basic and polar, with glutamic acid, which is acidic and polar, at codon 1826 of the CACNA1H protein (p.Lys1826Glu). This variant is present in population databases (no rsID available, gnomAD 0.002%). This variant has not been reported in the literature in individuals affected with CACNA1H-related conditions. Advanced modeling of protein sequence and biophysical properties (such as structural, functional, and spatial information, amino acid conservation, physicochemical variation, residue mobility, and thermodynamic stability) performed at Invitae indicates that this missense variant is not expected to disrupt CACNA1H protein function. In summary, the available evidence is currently insufficient to determine the role of this variant in disease. Therefore, it has been classified as a Variant of Uncertain Significance.